The following is an entry in ClinVar:

NM_172107.4(KCNQ2):c.1764-3T>A

Gene: KCNQ2 (potassium voltage-gated channel subfamily Q member 2; minus strand). Cytogenetic location: 20q13.33.
Variant type: single nucleotide variant.
Coding change: c.1764-3T>A on transcript NM_172107.4 (MANE Select); 3 bases into the intron before coding-DNA position 1764, T replaced by A.
Molecular consequence: intron variant.
Genome position (GRCh38, 1-based): chr20:63,408,539, A>T on the plus strand (T>A on the coding strand, the complement: KCNQ2 is on the minus strand). VCF-style: chr20-63408539-A-T. GRCh37 (hg19) VCF-style: chr20-62039892-A-T.
Other names: c.1680-3T>A (NM_004518.6); c.1671-3T>A (NM_172108.5); c.1710-3T>A (NM_172106.3); c.1818-3T>A (NM_001382235.1).
Identifiers: ClinVar variation 3389465 (VCV003389465.14).

ClinVar aggregate classification (germline): Uncertain significance (1 of 4 stars; one submission).

Submission:

CeGaT Center for Human Genetics Tuebingen
Classification: Uncertain significance. Last evaluated: 2024-10-01. Review status: criteria provided, single submitter. Criteria: CeGaT Center For Human Genetics Tuebingen Variant Classification Criteria Version 2. Collection method: clinical testing. Allele origin: germline. Affected: yes. Observed: 2 variant alleles.
Comment: KCNQ2: PM2, BP4